The following is an entry in ClinVar:

ClinVar aggregate classification (germline): Pathogenic (1 of 4 stars; one submission).

Conditions:
Developmental and epileptic encephalopathy, 11 (DEE11). Also called: Early infantile epileptic encephalopathy 11. Identifiers: Orphanet 1934, MedGen C3150987, MONDO:0013388, OMIM 613721.
Seizures, benign familial infantile, 3 (BFIS3). Also called: CONVULSIONS, BENIGN FAMILIAL INFANTILE, 3; Familial neonatal seizures. Identifiers: Orphanet 140927, Orphanet 306, MedGen C1843140, MONDO:0011904, OMIM 607745.

Submission:

Labcorp Genetics (formerly Invitae), Labcorp
Classification: Pathogenic for Seizures, benign familial infantile, 3; Developmental and epileptic encephalopathy, 11. Last evaluated: 2024-03-29. Review status: criteria provided, single submitter. Criteria: Invitae Variant Classification Sherloc (09022015). Collection method: clinical testing. Allele origin: germline.
Comment: This sequence change creates a premature translational stop signal (p.Thr957Profs*8) in the SCN2A gene. It is expected to result in an absent or disrupted protein product. Loss-of-function variants in SCN2A are known to be pathogenic (PMID: 28379373). This variant is not present in population databases (gnomAD no frequency). This variant has not been reported in the literature in individuals affected with SCN2A-related conditions. For these reasons, this variant has been classified as Pathogenic.

Literature cited by the submitters: PubMed 28379373.

NM_001040142.2(SCN2A):c.2869del (p.Thr957fs)

Gene: SCN2A (sodium voltage-gated channel alpha subunit 2; plus strand). Cytogenetic location: 2q24.3.
Variant type: Deletion.
Coding change: c.2869del on transcript NM_001040142.2 (MANE Select); coding-DNA position 2869, one base deleted (A; older notation c.2869delA).
Protein change: p.Thr957fs; shifts the reading frame from threonine 957.
Molecular consequence: frameshift variant.
Genome position (GRCh38, 1-based): chr2:165,344,861, A deleted; the last of 3 consecutive A bases (chr2:165,344,859-165,344,861); deleting any one gives the same sequence. VCF-style (leftmost placement, unchanged base first): chr2-165344858-CA-C. GRCh37 (hg19) VCF-style: chr2-166201368-CA-C.
Other names: c.2869del, p.Thr957fs (NM_001040143.2, NM_001371246.1, NM_001371247.1 and 1 more transcripts); short protein forms T957fs.
Identifiers: ClinVar variation 3755569 (VCV003755569.2).